The following is an entry in ClinVar:

ClinVar aggregate classification (germline): Benign/Likely benign. Review status: criteria provided, multiple submitters, no conflicts (2 of 4 stars). 14 submissions from 14 submitters: Benign (9); Likely benign (3). 2 of the submissions do not count toward it. Last evaluated 2026-02-04.

Conditions:
Familial cutaneous telangiectasia and oropharyngeal predisposition cancer syndrome. Identifiers: Orphanet 313846, MedGen C3281203, MONDO:0013806, OMIM 614564.
Seckel syndrome 1 (SCKL1). Also called: MICROCEPHALIC PRIMORDIAL DWARFISM I. Identifiers: Orphanet 808, MedGen C4551474, MONDO:0008869, OMIM 210600.
Hereditary cancer-predisposing syndrome. Also called: Neoplastic Syndromes, Hereditary; Hereditary Cancer Syndrome; Tumor predisposition; Hereditary neoplastic syndrome. Identifiers: Orphanet 140162, MedGen C0027672, MeSH D009386, MONDO:0015356.

Allele frequency attached by ClinVar (database versions not stated): gnomAD exomes 0.85814 and 0.86854; ExAC 0.86461; gnomAD 0.88595 and 0.88712; TOPMed 0.88705; ESP Exome Variant Server 0.89782; 1000 Genomes Project 0.91633; 1000 Genomes Project 30x 0.91646.
gnomAD v4.1: 1,404,254 of 1,613,102 alleles (87%); highest among the groups gnomAD compares: African/African-American, 97%; 612,694 homozygotes.

Submissions (14):

Labcorp Genetics (formerly Invitae), Labcorp
Classification: Benign. Last evaluated: 2026-02-04. Review status: criteria provided, single submitter. Criteria: Invitae Variant Classification Sherloc (09022015). Collection method: clinical testing. Allele origin: germline.

GeneKor MSA
Classification: Benign for Hereditary cancer-predisposing syndrome. Last evaluated: 2025-07-10. Review status: criteria provided, single submitter. Criteria: ACMG Guidelines, 2015. Collection method: clinical testing. Allele origin: germline.

Blueprint Genetics
Classification: Likely benign. Last evaluated: 2024-11-26. Review status: criteria provided, single submitter. Criteria: ACMG Guidelines, 2015. Collection method: clinical testing. Allele origin: germline.

KCCC/NGS Laboratory, Kuwait Cancer Control Center
Classification: Benign for Familial cutaneous telangiectasia and oropharyngeal predisposition cancer syndrome. Last evaluated: 2023-07-07. Review status: criteria provided, single submitter. Criteria: ACMG Guidelines, 2015. Collection method: clinical testing. Allele origin: germline. Affected: yes.

Genome-Nilou Lab
Classification: Benign for Seckel syndrome 1. Last evaluated: 2021-07-14. Review status: criteria provided, single submitter. Criteria: ACMG Guidelines, 2015. Collection method: clinical testing. Allele origin: germline. Affected: no.

Illumina Laboratory Services, Illumina
Classification: Benign for Seckel syndrome 1. Last evaluated: 2018-01-12. Review status: criteria provided, single submitter. Criteria: ICSL Variant Classification Criteria 13 December 2019. Collection method: clinical testing. Allele origin: germline.
Comment: This variant was observed in the ICSL laboratory as part of a predisposition screen in an ostensibly healthy population. It had not been previously curated by ICSL or reported in the Human Gene Mutation Database (HGMD: prior to June 1st, 2018), and was therefore a candidate for classification through an automated scoring system. Utilizing variant allele frequency, disease prevalence and penetrance estimates, and inheritance mode, an automated score was calculated to assess if this variant is too frequent to cause the disease. Based on the score and internal cut-off values, a variant classified as benign is not then subjected to further curation. The score for this variant resulted in a classification of benign for this disease.

Women's Health and Genetics/Laboratory Corporation of America, LabCorp
Classification: Benign. Last evaluated: 2016-04-26. Review status: criteria provided, single submitter. Criteria: LabCorp Variant Classification Summary - May 2015. Collection method: clinical testing. Allele origin: germline.
Comment: Variant summary: The c.7875G>A variant affects a non-conserved nucleotide, resulting in a synonymous change. Mutation taster predicts polymorphism outcome for this variant. 3/5 programs in Alamut predict that this variant does not affect normal splicing. ESE finder predicts changes of binding motifs for splicing enhancers. However, these predictions are not confirmed by experimental studies. This variant is found in 104951/121386 control chromosomes (45665 homozygotes) at a frequency of 0.8646055, which is about 1383368 times of the maximal expected frequency of a pathogenic allele (0.0000006) in this gene. Taking together, based on the prevalence of this variant in general population the variant was classified as Benign.

Laboratory for Molecular Medicine, Mass General Brigham Personalized Medicine
Classification: Benign. Last evaluated: 2016-03-28. Review status: criteria provided, single submitter. Criteria: LMM Criteria. Collection method: clinical testing. Allele origin: germline.
Comment: Variant identified in a genome or exome case(s) and assessed due to predicted null impact of the variant or pathogenic assertions in the literature or databases. Disclaimer: This variant has not undergone full assessment. The following are preliminary notes: Frequency

GeneDx
Classification: Benign. Last evaluated: 2015-03-03. Review status: criteria provided, single submitter. Criteria: GeneDx Variant Classification Process June 2021. Collection method: clinical testing. Allele origin: germline. Affected: yes.

Eurofins Ntd Llc (ga)
Classification: Benign. Last evaluated: 2013-05-09. Review status: criteria provided, single submitter. Criteria: EGL Classification Definitions 2015. Collection method: clinical testing. Allele origin: germline. Observed: 9 variant alleles, 4 heterozygotes, 5 homozygotes.

Genetic Services Laboratory, University of Chicago
Classification: Likely benign. Last evaluated: 2013-04-25. Review status: criteria provided, single submitter. Criteria: ACMG Guidelines, 2007. Collection method: clinical testing. Allele origin: germline. Inheritance: Autosomal recessive inheritance.
Comment: Likely benign based on allele frequency in 1000 Genomes Project or ESP global frequency and its presence in a patient with a rare or unrelated disease phenotype. NOT Sanger confirmed

Breakthrough Genomics
Classification: Likely benign. Review status: criteria provided, single submitter. Criteria: ACMG Guidelines, 2015. Collection method: not provided. Allele origin: germline. Inheritance: Autosomal recessive inheritance. Affected: yes.

Clinical Genetics DNA and cytogenetics Diagnostics Lab, Erasmus MC, Erasmus Medical Center
Classification: Benign. Review status: no assertion criteria provided. Collection method: clinical testing. Allele origin: germline. Affected: yes. Study: VKGL Data-share Consensus. Not counted in ClinVar's aggregate classification.

Diagnostic Laboratory, Department of Genetics, University Medical Center Groningen
Classification: Benign. Review status: no assertion criteria provided. Collection method: clinical testing. Allele origin: germline. Affected: yes. Study: VKGL Data-share Consensus. Not counted in ClinVar's aggregate classification.

NM_001184.4(ATR):c.7875G>A (p.Gln2625=)

Gene: ATR (ATR checkpoint kinase; minus strand). Cytogenetic location: 3q23.
Variant type: single nucleotide variant.
Coding change: c.7875G>A on transcript NM_001184.4 (MANE Select); coding-DNA position 7875, G replaced by A.
Protein change: p.Gln2625=; no amino-acid change (glutamine 2625 retained).
Molecular consequence: synonymous variant.
Genome position (GRCh38, 1-based): chr3:142,449,489, C>T on the plus strand (G>A on the coding strand, the complement: ATR is on the minus strand). VCF-style: chr3-142449489-C-T. GRCh37 (hg19) VCF-style: chr3-142168331-C-T.
Other names: c.7683G>A, p.Gln2561= (NM_001354579.2).
Identifiers: ClinVar variation 93669 (VCV000093669.34), dbSNP rs1802904, ClinGen allele CA147190.
Genomic context (GRCh38, chr3:142,449,489, plus strand): 5'-TCACATATATGGAGTCCAACCAAGATACATCTGGCATAGTAAGTTTTCATCAGTAGCTTC[C>T]TGTATAAGGTAATGCACATGTCCTTCAATAGATAACGGCAGTCCTGTCACTCTATTTCGA-3'
Protein context (NP_001175.2, residues 2615-2635): SIEGHVHYLI[Gln2625=]EATDENLLCQ